The following is an entry in ClinVar:

NM_005359.6(SMAD4):c.748C>A (p.Gln250Lys)

Gene: SMAD4 (SMAD family member 4; plus strand). Cytogenetic location: 18q21.2.
Variant type: single nucleotide variant.
Coding change: c.748C>A on transcript NM_005359.6 (MANE Select); coding-DNA position 748, C replaced by A.
Protein change: p.Gln250Lys; replaces glutamine 250 with lysine.
Molecular consequence: missense variant. On other transcripts: non-coding transcript variant (2).
Genome position (GRCh38, 1-based): chr18:51,058,205, C>A. VCF-style: chr18-51058205-C-A. GRCh37 (hg19) VCF-style: chr18-48584575-C-A.
Other names: c.748C>A, p.Gln250Lys (NM_001407041.1, NM_001407042.1, NM_001407043.1); short protein forms Q250K.
Identifiers: ClinVar variation 4864701 (VCV004864701.1).

ClinVar aggregate classification (germline): Uncertain significance (1 of 4 stars; one submission).

Conditions:
Familial thoracic aortic aneurysm and aortic dissection (TAAD). Also called: Thoracic aortic aneurysms and dissections. Identifiers: Orphanet 91387, MedGen C4707243, MONDO:0019625.
Hereditary cancer-predisposing syndrome. Also called: Neoplastic Syndromes, Hereditary; Tumor predisposition; Hereditary Cancer Syndrome; Hereditary neoplastic syndrome. Identifiers: Orphanet 140162, MedGen C0027672, MeSH D009386, MONDO:0015356.

Submission:

Ambry Genetics
Classification: Uncertain significance for Hereditary cancer-predisposing syndrome; Familial thoracic aortic aneurysm and aortic dissection. Last evaluated: 2026-04-22. Review status: criteria provided, single submitter. Criteria: Ambry Variant Classification Scheme 2023. Collection method: clinical testing. Allele origin: germline.
Comment: The p.Q250K variant (also known as c.748C>A), located in coding exon 5 of the SMAD4 gene, results from a C to A substitution at nucleotide position 748. The glutamine at codon 250 is replaced by lysine, an amino acid with similar properties. This amino acid position is conserved. In addition, the in silico prediction for this alteration is inconclusive. Based on the available evidence, the clinical significance of this variant remains unclear.